The following is an entry in ClinVar:

NM_000384.3(APOB):c.7493A>C (p.Glu2498Ala)

Gene: APOB (apolipoprotein B; minus strand). Cytogenetic location: 2p24.1.
Variant type: single nucleotide variant.
Coding change: c.7493A>C on transcript NM_000384.3 (MANE Select); coding-DNA position 7493, A replaced by C.
Protein change: p.Glu2498Ala; replaces glutamic acid 2498 with alanine.
Molecular consequence: missense variant.
Genome position (GRCh38, 1-based): chr2:21,009,375, T>G on the plus strand (A>C on the coding strand, the complement: APOB is on the minus strand). VCF-style: chr2-21009375-T-G. GRCh37 (hg19) VCF-style: chr2-21232247-T-G.
Other names: short protein forms E2498A.
Identifiers: ClinVar variation 3231449 (VCV003231449.2), dbSNP rs2465368734, ClinGen allele CA345997033.

ClinVar aggregate classification (germline): Uncertain significance. Review status: criteria provided, multiple submitters, no conflicts (2 of 4 stars). 2 submissions from 2 submitters: Uncertain significance (2). Last evaluated 2026-03-04.

Conditions:
Familial hypercholesterolemia. Also called: Familial hypercholesterolaemia. Identifiers: MedGen C0020445, MONDO:0005439.
Cardiovascular phenotype. Identifiers: MedGen CN230736.

gnomAD v4.1: 15 of 1,614,126 alleles (0.00093%); highest among the groups gnomAD compares: Non-Finnish European, 0.0012%; no homozygotes.

Submissions (2):

Cambridge Genomics Laboratory, East Genomic Laboratory Hub, NHS Genomic Medicine Service
Classification: Uncertain significance for Familial hypercholesterolaemia. Last evaluated: 2026-03-04. Review status: criteria provided, single submitter. Criteria: ACGS Best Practice Guidelines for Variant Classification in Rare Disease 2020. Collection method: clinical testing. Allele origin: germline. Affected: yes.
Comment: PM2_Supporting,PP4

Ambry Genetics
Classification: Uncertain significance for Cardiovascular phenotype. Last evaluated: 2023-12-14. Review status: criteria provided, single submitter. Criteria: Ambry Variant Classification Scheme 2023. Collection method: clinical testing. Allele origin: germline.
Comment: The p.E2498A variant (also known as c.7493A>C), located in coding exon 26 of the APOB gene, results from an A to C substitution at nucleotide position 7493. The glutamic acid at codon 2498 is replaced by alanine, an amino acid with dissimilar properties. This amino acid position is conserved. In addition, this alteration is predicted to be tolerated by in silico analysis. Since supporting evidence is limited at this time, the clinical significance of this alteration remains unclear.